The following is an entry in ClinVar:

ClinVar aggregate classification (germline): Uncertain significance (1 of 4 stars; one submission).

Submission:

Labcorp Genetics (formerly Invitae), Labcorp
Classification: Uncertain significance. Last evaluated: 2025-12-19. Review status: criteria provided, single submitter. Criteria: Invitae Variant Classification Sherloc (09022015). Collection method: clinical testing. Allele origin: germline.
Comment: This sequence change creates a premature translational stop signal (p.Thr299Argfs*22) in the TNNI3K gene. It is expected to result in an absent or disrupted protein product. However, the current clinical and genetic evidence is not sufficient to establish whether loss-of-function variants in TNNI3K cause disease. This variant is not present in population databases (gnomAD no frequency). This variant has not been reported in the literature in individuals affected with TNNI3K-related conditions. ClinVar contains an entry for this variant (Variation ID: 2981041). In summary, the available evidence is currently insufficient to determine the role of this variant in disease. Therefore, it has been classified as a Variant of Uncertain Significance.

NM_015978.3(TNNI3K):c.894_897del (p.Thr299fs)

Genes: FPGT-TNNI3K (FPGT-TNNI3K readthrough; plus strand), TNNI3K (TNNI3 interacting kinase; plus strand). Cytogenetic location: 1p31.1.
Variant type: Deletion.
Coding change: c.894_897del on transcript NM_015978.3 (MANE Select); coding-DNA positions 894 to 897, 4 bases deleted (GACT; older notation c.894_897delGACT).
Protein change: p.Thr299fs; shifts the reading frame from threonine 299.
Molecular consequence: frameshift variant.
Genome position (GRCh38, 1-based): chr1:74,343,141-74,343,144, GACT deleted; deleting any 4 consecutive bases within chr1:74,343,139-74,343,144 gives the same sequence; the c. name uses the placement nearest the transcript's 3' end. VCF-style (leftmost placement, unchanged base first): chr1-74343138-TCTGA-T. GRCh37 (hg19) VCF-style: chr1-74808822-TCTGA-T.
Other names: c.1197_1200del, p.Thr400fs (NM_001112808.3, NM_001199327.2); short protein forms T400fs, T299fs.
Identifiers: ClinVar variation 2981041 (VCV002981041.3), dbSNP rs2524362362, ClinGen allele CA2574407721.
Genomic context (GRCh38, chr1:74,343,138, plus strand): 5'-ATGCTACAATGGCAAATTTGAAGTTGCCAAGGAAATCATCCAAATATCAGGAACAGAAAG[TCTGA>T]CTAAGGAAAACATCTTCAGTGAAACAGCTTTTCATAGGTAAAAGAATATTTAAGTGCAAT-3'